The following is an entry in ClinVar:

ClinVar aggregate classification (germline): Likely benign. Review status: criteria provided, multiple submitters, no conflicts (2 of 4 stars). 2 submissions from 2 submitters: Likely benign (2). Last evaluated 2025-04-02.

Conditions:
Glycogen storage disease due to muscle and heart glycogen synthase deficiency. Also called: GSD 0b; MUSCLE GLYCOGEN SYNTHASE DEFICIENCY. Identifiers: Orphanet 137625, MedGen C1969054, MONDO:0012693, OMIM 611556.

Allele frequency attached by ClinVar (database versions not stated): gnomAD exomes 0.00001; ExAC 0.00002; gnomAD 0.00007 and 0.00008; ESP Exome Variant Server 0.00008; TOPMed 0.00008.
gnomAD v4.1: 23 of 1,612,148 alleles (0.0014%); highest among the groups gnomAD compares: African/African-American, 0.019%; no homozygotes.

Submissions (2):

Labcorp Genetics (formerly Invitae), Labcorp
Classification: Likely benign for Glycogen storage disease due to muscle and heart glycogen synthase deficiency. Last evaluated: 2025-04-02. Review status: criteria provided, single submitter. Criteria: Invitae Variant Classification Sherloc (09022015). Collection method: clinical testing. Allele origin: germline.

GeneDx
Classification: Likely benign. Last evaluated: 2017-06-12. Review status: criteria provided, single submitter. Criteria: GeneDx Variant Classification (06012015). Collection method: clinical testing. Allele origin: germline. Affected: yes.
Comment: This variant is considered likely benign or benign based on one or more of the following criteria: it is a conservative change, it occurs at a poorly conserved position in the protein, it is predicted to be benign by multiple in silico algorithms, and/or has population frequency not consistent with disease.

NM_002103.5(GYS1):c.1083A>G (p.Thr361=)

Gene: GYS1 (glycogen synthase 1; minus strand). Cytogenetic location: 19q13.33.
Variant type: single nucleotide variant.
Coding change: c.1083A>G on transcript NM_002103.5 (MANE Select); coding-DNA position 1083, A replaced by G.
Protein change: p.Thr361=; no amino-acid change (threonine 361 retained).
Molecular consequence: synonymous variant. On other transcripts: non-coding transcript variant (1).
Genome position (GRCh38, 1-based): chr19:48,981,616, T>C on the plus strand (A>G on the coding strand, the complement: GYS1 is on the minus strand). VCF-style: chr19-48981616-T-C. GRCh37 (hg19) VCF-style: chr19-49484873-T-C.
Other names: c.891A>G, p.Thr297= (NM_001161587.2).
Identifiers: ClinVar variation 517885 (VCV000517885.10), dbSNP rs149865396, ClinGen allele CA9563089.